The following is an entry in ClinVar:

ClinVar aggregate classification (germline): Uncertain significance. Review status: criteria provided, multiple submitters, no conflicts (2 of 4 stars). 3 submissions from 3 submitters: Uncertain significance (2). 1 of the submissions does not count toward it. Last evaluated 2022-09-24.

Conditions:
Creatine transporter deficiency (CCDS1). Also called: Creatine Transporter (CRTR) Deficiency; Mental retardation , X-linked with seizures, short stature and midface hypoplasia; Mental retardation , X-linked, with creatine transport deficiency; X-linked creatine transporter deficiency; X-linked creatine deficiency syndrome; CEREBRAL CREATINE DEFICIENCY SYNDROME 1. Identifiers: Orphanet 52503, MedGen C1845862, MONDO:0010305, OMIM 300352.
SLC6A8-related disorder. Also called: SLC6A8-related condition.

Allele frequency attached by ClinVar (database versions not stated): ExAC 0.00003.

Submissions (3):

Labcorp Genetics (formerly Invitae), Labcorp
Classification: Uncertain significance for Creatine transporter deficiency. Last evaluated: 2022-09-24. Review status: criteria provided, single submitter. Criteria: Invitae Variant Classification Sherloc (09022015). Collection method: clinical testing. Allele origin: germline.
Comment: This sequence change replaces serine, which is neutral and polar, with leucine, which is neutral and non-polar, at codon 111 of the SLC6A8 protein (p.Ser111Leu). The frequency data for this variant in the population databases is considered unreliable, as metrics indicate poor data quality at this position in the gnomAD database. This variant has not been reported in the literature in individuals affected with SLC6A8-related conditions. ClinVar contains an entry for this variant (Variation ID: 1304579). Advanced modeling of protein sequence and biophysical properties (such as structural, functional, and spatial information, amino acid conservation, physicochemical variation, residue mobility, and thermodynamic stability) has been performed at Invitae for this missense variant, however the output from this modeling did not meet the statistical confidence thresholds required to predict the impact of this variant on SLC6A8 protein function. In summary, the available evidence is currently insufficient to determine the role of this variant in disease. Therefore, it has been classified as a Variant of Uncertain Significance.

GeneDx
Classification: Uncertain significance. Last evaluated: 2019-11-22. Review status: criteria provided, single submitter. Criteria: GeneDx Variant Classification Process June 2021. Collection method: clinical testing. Allele origin: germline. Affected: yes.
Comment: Not observed in large population cohorts (Lek et al., 2016); In silico analysis, which includes protein predictors and evolutionary conservation, supports a deleterious effect; Has not been previously published as pathogenic or benign to our knowledge

PreventionGenetics, part of Exact Sciences
Classification: Uncertain significance for SLC6A8-related condition. Last evaluated: 2024-04-12. Review status: no assertion criteria provided. Collection method: clinical testing. Allele origin: germline. Not counted in ClinVar's aggregate classification.
Comment: The SLC6A8 c.332C>T variant is predicted to result in the amino acid substitution p.Ser111Leu. To our knowledge, this variant has not been reported in the literature. This variant is reported in 0.0016% of alleles in individuals of European (Non-Finnish) descent in gnomAD. At this time, the clinical significance of this variant is uncertain due to the absence of conclusive functional and genetic evidence.

NM_005629.4(SLC6A8):c.332C>T (p.Ser111Leu)

Gene: SLC6A8 (solute carrier family 6 member 8; plus strand). Cytogenetic location: Xq28.
Variant type: single nucleotide variant.
Coding change: c.332C>T on transcript NM_005629.4 (MANE Select); coding-DNA position 332, C replaced by T.
Protein change: p.Ser111Leu; replaces serine 111 with leucine.
Molecular consequence: missense variant. On other transcripts: 5 prime UTR variant (1).
Genome position (GRCh38, 1-based): chrX:153,690,444, C>T. VCF-style: chrX-153690444-C-T. GRCh37 (hg19) VCF-style: chrX-152955899-C-T.
Other names: c.332C>T, p.Ser111Leu (NM_001142805.2); c.-14C>T (NM_001142806.1); short protein forms S111L.
Identifiers: ClinVar variation 1304579 (VCV001304579.8), dbSNP rs782704042, ClinGen allele CA10549182.